The following is an entry in ClinVar:

NC_000015.10:g.(?_48410990)_(48644769_?)del

Genes: FBN1 (fibrillin 1; minus strand), LOC113939944 (Sharpr-MPRA regulatory region 9539; plus strand), LOC125078076 (Sharpr-MPRA regulatory region 3576; plus strand), LOC126862124 (CDK7 strongly-dependent group 2 enhancer GRCh37_chr15:48764566-48765765; plus strand), LOC126862125 (CDK7 strongly-dependent group 2 enhancer GRCh37_chr15:48821930-48823129; plus strand) and 2 more. Cytogenetic location: 15q21.1.
Variant type: Deletion.
Identifiers: ClinVar variation 3075999 (VCV003075999.1).

ClinVar aggregate classification (germline): Pathogenic (1 of 4 stars; one submission).

Conditions:
Marfan syndrome (MFS). Also called: MARFAN SYNDROME, TYPE I; Marfan syndrome type 1; Marfan's syndrome; Marfan syndrome, classic; FBN1-Related Marfan Syndrome. Identifiers: Orphanet 284963, Orphanet 558, MedGen C0024796, MONDO:0007947, OMIM 154700.

Submission:

Laboratory for Molecular Medicine, Mass General Brigham Personalized Medicine
Classification: Pathogenic for Marfan syndrome. Last evaluated: 2014-09-03. Review status: criteria provided, single submitter. Criteria: ACMG Guidelines, 2015. Collection method: clinical testing. Allele origin: germline.
Comment: The FBN1 whole gene deletion has been reported in several individuals with clinical features of Marfan syndrome (Colovati 2012, Hilhorst-Hofstee 2011, Hung 2009, Oommen 1991). This variant is predicated to lead to an entire deletion of one copy of the FBN1 gene and haploinsufficiency of the FBN1 gene is a pathogenic mechanism in Marfan syndrome. In summary, this variant meets our criteria to be classified as pathogenic.

Literature cited by the submitters: PubMed 19839986; PubMed 1936929; PubMed 22260333; PubMed 21063442.